The following is an entry in ClinVar:

ClinVar aggregate classification (germline): Likely benign. Review status: criteria provided, multiple submitters, no conflicts (2 of 4 stars). 3 submissions from 3 submitters: Likely benign (3). Last evaluated 2026-05-01.

Allele frequency attached by ClinVar (database versions not stated): ExAC 0.00002; gnomAD exomes 0.00005 and 0.00008; TOPMed 0.00010; gnomAD 0.00011.
gnomAD v4.1: 138 of 1,612,746 alleles (0.0086%); highest among the groups gnomAD compares: Non-Finnish European, 0.011%; no homozygotes.

Submissions (3):

CeGaT Center for Human Genetics Tuebingen
Classification: Likely benign. Last evaluated: 2026-05-01. Review status: criteria provided, single submitter. Criteria: CeGaT Center For Human Genetics Tuebingen Variant Classification Criteria Version 2. Collection method: clinical testing. Allele origin: germline. Affected: yes. Observed: 1 variant allele.
Comment: RIMS1: BP4, BP7

Labcorp Genetics (formerly Invitae), Labcorp
Classification: Likely benign. Last evaluated: 2025-10-21. Review status: criteria provided, single submitter. Criteria: Invitae Variant Classification Sherloc (09022015). Collection method: clinical testing. Allele origin: germline.

Blueprint Genetics
Classification: Likely benign. Last evaluated: 2023-12-22. Review status: criteria provided, single submitter. Criteria: ACMG Guidelines, 2015. Collection method: clinical testing. Allele origin: germline.

NM_014989.7(RIMS1):c.3711G>A (p.Ser1237=)

Gene: RIMS1 (regulating synaptic membrane exocytosis 1; plus strand). Cytogenetic location: 6q13.
Variant type: single nucleotide variant.
Coding change: c.3711G>A on transcript NM_014989.7 (MANE Select); coding-DNA position 3711, G replaced by A.
Protein change: p.Ser1237=; no amino-acid change (serine 1237 retained).
Molecular consequence: synonymous variant. On other transcripts: intron variant (56).
Genome position (GRCh38, 1-based): chr6:72,290,835, G>A. VCF-style: chr6-72290835-G-A. GRCh37 (hg19) VCF-style: chr6-73000538-G-A.
Other names: c.1785G>A, p.Ser595= (NM_001350420.2); c.1767G>A, p.Ser589= (NM_001350431.2); c.1854G>A, p.Ser618= (NM_001350438.2, NM_001350456.2); c.1857G>A, p.Ser619= (NM_001350442.2, NM_001350446.2); c.1716G>A, p.Ser572= (NM_001350462.2); c.1632-1099G>A (NM_001350428.2); c.1560-1099G>A (NM_001350459.2, NM_001350424.2); c.1641-1099G>A (NM_001350437.2); and 31 more.
Identifiers: ClinVar variation 860906 (VCV000860906.10), dbSNP rs761517626, ClinGen allele CA3886325.